The following is an entry in ClinVar:

ClinVar aggregate classification (germline): Pathogenic (1 of 4 stars; one submission).

Conditions:
Nephronophthisis. Also called: Juvenile Nephronophthisis. Identifiers: Orphanet 655, MedGen C0687120, MONDO:0019005, HP:0000090.

Submission:

Labcorp Genetics (formerly Invitae), Labcorp
Classification: Pathogenic for Nephronophthisis. Last evaluated: 2023-02-28. Review status: criteria provided, single submitter. Criteria: Invitae Variant Classification Sherloc (09022015). Collection method: clinical testing. Allele origin: unknown.
Comment: This variant is a gross deletion of the genomic region encompassing exon(s) 3-20 of the NPHP1 gene, which includes the termination codon. This deletion extends beyond the assayed region for this gene and therefore may encompass additional genes. While this deletion is not anticipated to lead to nonsense mediated decay, it is expected to alter mRNA translation or result in a truncated protein product. This variant has not been reported in the literature in individuals affected with NPHP1-related conditions. This variant disrupts a region of the NPHP1 protein in which other variant(s) (p.S718*) have been determined to be pathogenic (PMID: 23559409). This suggests that this is a clinically significant region of the protein, and that variants that disrupt it are likely to be disease-causing. For these reasons, this variant has been classified as Pathogenic.

Literature cited by the submitters: PubMed 23559409.

NC_000002.11:g.(?_110881368)_(110937281_?)del

Gene: NPHP1 (nephrocystin 1; minus strand). Cytogenetic location: 2q13.
Variant type: Deletion.
Identifiers: ClinVar variation 3247202 (VCV003247202.1).